The following is an entry in ClinVar:

NM_001025616.3(ARHGAP24):c.555G>C (p.Glu185Asp)

Gene: ARHGAP24 (Rho GTPase activating protein 24; plus strand). Cytogenetic location: 4q21.23.
Variant type: single nucleotide variant.
Coding change: c.555G>C on transcript NM_001025616.3 (MANE Select); coding-DNA position 555, G replaced by C.
Protein change: p.Glu185Asp; replaces glutamic acid 185 with aspartic acid.
Molecular consequence: missense variant. On other transcripts: intron variant (1).
Genome position (GRCh38, 1-based): chr4:85,942,229, G>C. VCF-style: chr4-85942229-G-C. GRCh37 (hg19) VCF-style: chr4-86863382-G-C.
Other names: c.270G>C, p.Glu90Asp (NM_001042669.2); c.300G>C, p.Glu100Asp (NM_001287805.2); c.276G>C, p.Glu92Asp (NM_031305.3); c.20+18459G>C (NM_001346093.2); short protein forms E100D, E185D, E92D, E90D.
Identifiers: ClinVar variation 1395241 (VCV001395241.6), dbSNP rs1466171262, ClinGen allele CA357697060.

ClinVar aggregate classification (germline): Uncertain significance (1 of 4 stars; one submission).

Submission:

Labcorp Genetics (formerly Invitae), Labcorp
Classification: Uncertain significance. Last evaluated: 2022-05-27. Review status: criteria provided, single submitter. Criteria: Invitae Variant Classification Sherloc (09022015). Collection method: clinical testing. Allele origin: germline.
Comment: This sequence change replaces glutamic acid, which is acidic and polar, with aspartic acid, which is acidic and polar, at codon 185 of the ARHGAP24 protein (p.Glu185Asp). This variant is not present in population databases (gnomAD no frequency). This variant has not been reported in the literature in individuals affected with ARHGAP24-related conditions. Algorithms developed to predict the effect of missense changes on protein structure and function are either unavailable or do not agree on the potential impact of this missense change (SIFT: "Deleterious"; PolyPhen-2: "Benign"; Align-GVGD: "Class C35"). In summary, the available evidence is currently insufficient to determine the role of this variant in disease. Therefore, it has been classified as a Variant of Uncertain Significance.